The following is an entry in ClinVar:

NM_000444.6(PHEX):c.1394C>A (p.Ala465Asp)

Gene: PHEX (phosphate regulating endopeptidase X-linked; plus strand). Cytogenetic location: Xp22.11.
Variant type: single nucleotide variant.
Coding change: c.1394C>A on transcript NM_000444.6 (MANE Select); coding-DNA position 1394, C replaced by A.
Protein change: p.Ala465Asp; replaces alanine 465 with aspartic acid.
Molecular consequence: missense variant.
Genome position (GRCh38, 1-based): chrX:22,133,614, C>A. VCF-style: chrX-22133614-C-A. GRCh37 (hg19) VCF-style: chrX-22151731-C-A.
Other names: c.1394C>A, p.Ala465Asp (NM_001282754.2); short protein forms A465D.
Identifiers: ClinVar variation 838791 (VCV000838791.9), dbSNP rs1932109437, ClinGen allele CA412574766.

ClinVar aggregate classification (germline): Uncertain significance (1 of 4 stars; one submission).

Submission:

Labcorp Genetics (formerly Invitae), Labcorp
Classification: Uncertain significance. Last evaluated: 2019-12-03. Review status: criteria provided, single submitter. Criteria: Invitae Variant Classification Sherloc (09022015). Collection method: clinical testing. Allele origin: germline.
Comment: In summary, the available evidence is currently insufficient to determine the role of this variant in disease. Therefore, it has been classified as a Variant of Uncertain Significance. Algorithms developed to predict the effect of missense changes on protein structure and function are either unavailable or do not agree on the potential impact of this missense change (SIFT: "Deleterious"; PolyPhen-2: "Probably Damaging"; Align-GVGD: "Class C15"). This variant is not present in population databases (ExAC no frequency). This sequence change replaces alanine with aspartic acid at codon 465 of the PHEX protein (p.Ala465Asp). The alanine residue is highly conserved and there is a moderate physicochemical difference between alanine and aspartic acid.